The following is an entry in ClinVar:

NM_002485.5(NBN):c.1022G>T (p.Ser341Ile)

Gene: NBN (nibrin; minus strand). Cytogenetic location: 8q21.3.
Variant type: single nucleotide variant.
Coding change: c.1022G>T on transcript NM_002485.5 (MANE Select); coding-DNA position 1022, G replaced by T.
Protein change: p.Ser341Ile; replaces serine 341 with isoleucine.
Molecular consequence: missense variant.
Genome position (GRCh38, 1-based): chr8:89,958,827, C>A on the plus strand (G>T on the coding strand, the complement: NBN is on the minus strand). VCF-style: chr8-89958827-C-A. GRCh37 (hg19) VCF-style: chr8-90971055-C-A.
Other names: c.776G>T, p.Ser259Ile (NM_001024688.3); short protein forms S341I, S259I.
Identifiers: ClinVar variation 1764378 (VCV001764378.5), dbSNP rs2488261198, ClinGen allele CA371656766.

ClinVar aggregate classification (germline): Uncertain significance. Review status: criteria provided, multiple submitters, no conflicts (2 of 4 stars). 2 submissions from 2 submitters: Uncertain significance (2). Last evaluated 2024-01-30.

Conditions:
Microcephaly, normal intelligence and immunodeficiency (NBS). Also called: IMMUNODEFICIENCY, MICROCEPHALY, AND CHROMOSOMAL INSTABILITY; SEEMANOVA SYNDROME II; Nijmegen breakage syndrome; Microcephaly with normal intelligence immunodeficiency and lymphoreticular malignancies; Nonsyndromal microcephaly autosomal recessive with normal intelligence; Seemanova syndrome 2. Identifiers: Orphanet 647, MedGen C0398791, MONDO:0009623, OMIM 251260.
Hereditary cancer-predisposing syndrome. Also called: Neoplastic Syndromes, Hereditary; Tumor predisposition; Hereditary neoplastic syndrome; Hereditary Cancer Syndrome. Identifiers: Orphanet 140162, MedGen C0027672, MeSH D009386, MONDO:0015356.

Submissions (2):

Labcorp Genetics (formerly Invitae), Labcorp
Classification: Uncertain significance for Microcephaly, normal intelligence and immunodeficiency. Last evaluated: 2024-01-30. Review status: criteria provided, single submitter. Criteria: Invitae Variant Classification Sherloc (09022015). Collection method: clinical testing. Allele origin: germline.
Comment: This sequence change replaces serine, which is neutral and polar, with isoleucine, which is neutral and non-polar, at codon 341 of the NBN protein (p.Ser341Ile). This variant is not present in population databases (gnomAD no frequency). This variant has not been reported in the literature in individuals affected with NBN-related conditions. ClinVar contains an entry for this variant (Variation ID: 1764378). An algorithm developed to predict the effect of missense changes on protein structure and function (PolyPhen-2) suggests that this variant is likely to be tolerated. In summary, the available evidence is currently insufficient to determine the role of this variant in disease. Therefore, it has been classified as a Variant of Uncertain Significance.

Ambry Genetics
Classification: Uncertain significance for Hereditary cancer-predisposing syndrome. Last evaluated: 2022-04-05. Review status: criteria provided, single submitter. Criteria: Ambry Variant Classification Scheme 2023. Collection method: clinical testing. Allele origin: germline.
Comment: The p.S341I variant (also known as c.1022G>T), located in coding exon 9 of the NBN gene, results from a G to T substitution at nucleotide position 1022. The serine at codon 341 is replaced by isoleucine, an amino acid with dissimilar properties. This amino acid position is conserved. In addition, this alteration is predicted to be tolerated by in silico analysis. Since supporting evidence is limited at this time, the clinical significance of this alteration remains unclear.